The following is an entry in ClinVar:

ClinVar aggregate classification (germline): Likely benign. Review status: criteria provided, multiple submitters, no conflicts (2 of 4 stars). 2 submissions from 2 submitters: Likely benign (2). Last evaluated 2026-01-07.

Conditions:
LTBP2-related disorder. Also called: LTBP2-related condition; LTBP2-related disorders.

Submissions (2):

PreventionGenetics, part of Exact Sciences
Classification: Likely benign for LTBP2-related condition. Last evaluated: 2026-01-07. Review status: criteria provided, single submitter. Criteria: ACMG Guidelines, 2015. Collection method: clinical testing. Allele origin: germline.
Comment: This variant is classified as likely benign based on ACMG/AMP sequence variant interpretation guidelines (Richards et al. 2015 PMID: 25741868, with internal and published modifications).

Labcorp Genetics (formerly Invitae), Labcorp
Classification: Likely benign. Last evaluated: 2025-05-26. Review status: criteria provided, single submitter. Criteria: Invitae Variant Classification Sherloc (09022015). Collection method: clinical testing. Allele origin: germline.

NM_000428.3(LTBP2):c.5136A>G (p.Ser1712=)

Gene: LTBP2 (latent transforming growth factor beta binding protein 2; minus strand). Cytogenetic location: 14q24.3.
Variant type: single nucleotide variant.
Coding change: c.5136A>G on transcript NM_000428.3 (MANE Select); coding-DNA position 5136, A replaced by G.
Protein change: p.Ser1712=; no amino-acid change (serine 1712 retained).
Molecular consequence: synonymous variant.
Genome position (GRCh38, 1-based): chr14:74,502,687, T>C on the plus strand (A>G on the coding strand, the complement: LTBP2 is on the minus strand). VCF-style: chr14-74502687-T-C. GRCh37 (hg19) VCF-style: chr14-74969390-T-C.
Other names: c.5136A>G (NM_000428.2).
Identifiers: ClinVar variation 4701543 (VCV004701543.2).